The following is an entry in ClinVar:

NM_000051.4(ATM):c.7322T>A (p.Val2441Asp)

Genes: ATM (ATM serine/threonine kinase; plus strand), C11orf65 (chromosome 11 open reading frame 65; minus strand). Cytogenetic location: 11q22.3.
Variant type: single nucleotide variant.
Coding change: c.7322T>A on transcript NM_000051.4 (MANE Select); coding-DNA position 7322, T replaced by A.
Protein change: p.Val2441Asp; replaces valine 2441 with aspartic acid.
Molecular consequence: missense variant. On other transcripts: intron variant (2).
Genome position (GRCh38, 1-based): chr11:108,330,228, T>A. VCF-style: chr11-108330228-T-A. GRCh37 (hg19) VCF-style: chr11-108200955-T-A.
Other names: c.7322T>A, p.Val2441Asp (NM_001351834.2); c.641-21157A>T (NM_001330368.2); c.*38+4992A>T (NM_001351110.2); short protein forms V2441D.
Identifiers: ClinVar variation 1714761 (VCV001714761.6), dbSNP rs765548443, ClinGen allele CA382559886.

ClinVar aggregate classification (germline): Uncertain significance (1 of 4 stars; one submission).

Conditions:
Ataxia-telangiectasia syndrome (AT). Also called: Ataxia telangiectasia (A-T); LOUIS-BAR SYNDROME; Cerebello-oculocutaneous telangiectasia; Immunodeficiency with ataxia telangiectasia; Ataxia-telangiectasia, complementation group D; AT, COMPLEMENTATION GROUP C. Identifiers: Orphanet 100, MedGen C0004135, MONDO:0008840, OMIM 208900.

Submission:

Labcorp Genetics (formerly Invitae), Labcorp
Classification: Uncertain significance for Ataxia-telangiectasia syndrome. Last evaluated: 2024-06-22. Review status: criteria provided, single submitter. Criteria: Invitae Variant Classification Sherloc (09022015). Collection method: clinical testing. Allele origin: germline.
Comment: This sequence change replaces valine, which is neutral and non-polar, with aspartic acid, which is acidic and polar, at codon 2441 of the ATM protein (p.Val2441Asp). This variant is not present in population databases (gnomAD no frequency). This variant has not been reported in the literature in individuals affected with ATM-related conditions. ClinVar contains an entry for this variant (Variation ID: 1714761). An algorithm developed to predict the effect of missense changes on protein structure and function (PolyPhen-2) suggests that this variant is likely to be tolerated. In summary, the available evidence is currently insufficient to determine the role of this variant in disease. Therefore, it has been classified as a Variant of Uncertain Significance.